The following is an entry in ClinVar:

NM_004360.5(CDH1):c.396T>G (p.Val132=)

Gene: CDH1 (cadherin 1; plus strand). Cytogenetic location: 16q22.1.
Variant type: single nucleotide variant.
Coding change: c.396T>G on transcript NM_004360.5 (MANE Select); coding-DNA position 396, T replaced by G.
Protein change: p.Val132=; no amino-acid change (valine 132 retained).
Molecular consequence: synonymous variant. On other transcripts: 5 prime UTR variant (2).
Genome position (GRCh38, 1-based): chr16:68,808,432, T>G. VCF-style: chr16-68808432-T-G. GRCh37 (hg19) VCF-style: chr16-68842335-T-G.
Other names: c.396T>G (LRG_301t1); c.396T>G, p.Val132= (NM_001317184.2); c.-1220T>G (NM_001317185.2); c.-1424T>G (NM_001317186.2).
Identifiers: ClinVar variation 515247 (VCV000515247.1), dbSNP rs1555515186, ClinGen allele CA496152741.

ClinVar aggregate classification (germline): Likely benign (1 of 4 stars; one submission).

Submission:

GeneDx
Classification: Likely benign. Last evaluated: 2018-01-31. Review status: criteria provided, single submitter. Criteria: GeneDx Variant Classification (06012015). Collection method: clinical testing. Allele origin: germline. Affected: yes.
Comment: This variant is considered likely benign or benign based on one or more of the following criteria: it is a conservative change, it occurs at a poorly conserved position in the protein, it is predicted to be benign by multiple in silico algorithms, and/or has population frequency not consistent with disease.